The following is an entry in ClinVar:

NM_001844.5(COL2A1):c.3443C>A (p.Ser1148Tyr)

Gene: COL2A1 (collagen type II alpha 1 chain; minus strand). Cytogenetic location: 12q13.11.
Variant type: single nucleotide variant.
Coding change: c.3443C>A on transcript NM_001844.5 (MANE Select); coding-DNA position 3443, C replaced by A.
Protein change: p.Ser1148Tyr; replaces serine 1148 with tyrosine.
Molecular consequence: missense variant.
Genome position (GRCh38, 1-based): chr12:47,976,560, G>T on the plus strand (C>A on the coding strand, the complement: COL2A1 is on the minus strand). VCF-style: chr12-47976560-G-T. GRCh37 (hg19) VCF-style: chr12-48370343-G-T.
Other names: c.3236C>A, p.Ser1079Tyr (NM_033150.3); short protein forms S1079Y, S1148Y.
Identifiers: ClinVar variation 3611396 (VCV003611396.3).

ClinVar aggregate classification (germline): Uncertain significance. Review status: criteria provided, multiple submitters, no conflicts (2 of 4 stars). 2 submissions from 2 submitters: Uncertain significance (2). Last evaluated 2024-09-23.

gnomAD v4.1: 12 of 1,614,132 alleles (0.00074%); highest among the groups gnomAD compares: Non-Finnish European, 0.001%; no homozygotes.

Submissions (2):

Labcorp Genetics (formerly Invitae), Labcorp
Classification: Uncertain significance. Last evaluated: 2024-09-23. Review status: criteria provided, single submitter. Criteria: Invitae Variant Classification Sherloc (09022015). Collection method: clinical testing. Allele origin: germline.
Comment: This sequence change replaces serine, which is neutral and polar, with tyrosine, which is neutral and polar, at codon 1148 of the COL2A1 protein (p.Ser1148Tyr). This variant is not present in population databases (gnomAD no frequency). This variant has not been reported in the literature in individuals affected with COL2A1-related conditions. Invitae Evidence Modeling of protein sequence and biophysical properties (such as structural, functional, and spatial information, amino acid conservation, physicochemical variation, residue mobility, and thermodynamic stability) has been performed for this missense variant. However, the output from this modeling did not meet the statistical confidence thresholds required to predict the impact of this variant on COL2A1 protein function. In summary, the available evidence is currently insufficient to determine the role of this variant in disease. Therefore, it has been classified as a Variant of Uncertain Significance.

Blueprint Genetics
Classification: Uncertain significance. Last evaluated: 2018-06-26. Review status: criteria provided, single submitter. Criteria: ACMG Guidelines, 2015. Collection method: clinical testing. Allele origin: germline.